The following is an entry in ClinVar:

NM_006642.5(SDCCAG8):c.506_507del (p.Gln169fs)

Gene: SDCCAG8 (SHH signaling and ciliogenesis regulator SDCCAG8; plus strand). Cytogenetic location: 1q43.
Variant type: Deletion.
Coding change: c.506_507del on transcript NM_006642.5 (MANE Select); coding-DNA positions 506 to 507, 2 bases deleted (AA; older notation c.506_507delAA).
Protein change: p.Gln169fs; shifts the reading frame from glutamine 169.
Molecular consequence: frameshift variant. On other transcripts: 5 prime UTR variant (3).
Genome position (GRCh38, 1-based): chr1:243,286,357-243,286,358, AA deleted. VCF-style (leftmost placement, unchanged base first): chr1-243286356-CAA-C. GRCh37 (hg19) VCF-style: chr1-243449658-CAA-C.
Other names: c.506_507delAA (NM_006642.3); c.-607_-606del (NM_001350246.2); c.-495_-494del (NM_001350247.2); c.506_507del, p.Gln169fs (NM_001350248.2); c.212_213del, p.Gln71fs (NM_001350249.2); c.-868_-867del (NM_001350251.2); short protein forms Q169fs, Q71fs.
Identifiers: ClinVar variation 3582458 (VCV003582458.3).
Genomic context (GRCh38, chr1:243,286,356, plus strand): 5'-AAAATACAAGTAGTTGTGCTTGAAAACGAAGGGCTCCAGCAACAGCTAAAATCTCAAAGA[CAA>C]GAGGAGACACTGAGGGAACAAACACTTCTGGATGCATCCGTGAGCATTATTTTAAATCAT-3'

ClinVar aggregate classification (germline): Pathogenic/Likely pathogenic. Review status: criteria provided, multiple submitters, no conflicts (2 of 4 stars). 3 submissions from 3 submitters: Pathogenic (1); Likely pathogenic (2). Last evaluated 2025-12-10.

Conditions:
Senior-Loken syndrome 7 (SLSN7). Identifiers: Orphanet 3156, MedGen C3150877, MONDO:0013326, OMIM 613615.
Bardet-Biedl syndrome 16 (BBS16). Identifiers: Orphanet 110, MedGen C3889474, MONDO:0014444, OMIM 615993.
SDCCAG8-related disorder. Also called: SDCCAG8-Related Disorders; SDCCAG8-related condition.

Submissions (3):

PreventionGenetics, part of Exact Sciences
Classification: Likely pathogenic for SDCCAG8-related condition. Last evaluated: 2025-12-10. Review status: criteria provided, single submitter. Criteria: ACMG Guidelines, 2015. Collection method: clinical testing. Allele origin: germline.
Comment: The SDCCAG8 c.506_507delAA variant is predicted to result in a frameshift and premature protein termination (p.Gln169Argfs*25). To our knowledge, this variant has not been reported in the literature or in a large population database (gnomAD), indicating this variant is rare. Nonsense variants in SDCCAG8 are expected to be pathogenic. This variant is interpreted as likely pathogenic.

Labcorp Genetics (formerly Invitae), Labcorp
Classification: Pathogenic for Bardet-Biedl syndrome 16; Senior-Loken syndrome 7. Last evaluated: 2025-09-22. Review status: criteria provided, single submitter. Criteria: Invitae Variant Classification Sherloc (09022015). Collection method: clinical testing. Allele origin: germline.
Comment: This sequence change creates a premature translational stop signal (p.Gln169Argfs*25) in the SDCCAG8 gene. It is expected to result in an absent or disrupted protein product. Loss-of-function variants in SDCCAG8 are known to be pathogenic (PMID: 20835237, 22190896). This variant is not present in population databases (gnomAD no frequency). This variant has not been reported in the literature in individuals affected with SDCCAG8-related conditions. ClinVar contains an entry for this variant (Variation ID: 3582458). For these reasons, this variant has been classified as Pathogenic.

Fulgent Genetics
Classification: Likely pathogenic for Senior-Loken syndrome 7; Bardet-Biedl syndrome 16. Last evaluated: 2024-06-21. Review status: criteria provided, single submitter. Criteria: ACMG Guidelines, 2015. Collection method: clinical testing. Allele origin: germline.

Literature cited by the submitters: PubMed 20835237 (cited by Labcorp Genetics (formerly Invitae), Labcorp); PubMed 22190896 (cited by Labcorp Genetics (formerly Invitae), Labcorp).